The following is an entry in ClinVar:

NM_152564.5(VPS13B):c.10313A>G (p.Asn3438Ser)

Gene: VPS13B (vacuolar protein sorting 13 homolog B; plus strand). Cytogenetic location: 8q22.2.
Variant type: single nucleotide variant.
Coding change: c.10313A>G on transcript NM_152564.5 (MANE Select); coding-DNA position 10313, A replaced by G.
Protein change: p.Asn3438Ser; replaces asparagine 3438 with serine.
Molecular consequence: missense variant.
Genome position (GRCh38, 1-based): chr8:99,853,702, A>G. VCF-style: chr8-99853702-A-G. GRCh37 (hg19) VCF-style: chr8-100865930-A-G.
Other names: c.10313A>G (NM_152564.4); c.10388A>G, p.Asn3463Ser (NM_017890.5); short protein forms N3438S, N3463S.
Identifiers: ClinVar variation 197994 (VCV000197994.19), dbSNP rs146460917, ClinGen allele CA246442.

ClinVar aggregate classification (germline): Conflicting classifications of pathogenicity. Review status: criteria provided, conflicting classifications (1 of 4 stars). 7 submissions from 7 submitters: Uncertain significance (3); Benign (1); Likely benign (1). 2 of the submissions do not count toward it. Last evaluated 2026-01-28.

Conditions:
VPS13B-related disorder. Also called: VPS13B-related condition.
Inborn genetic diseases. Identifiers: MedGen C0950123, MeSH D030342.
Cohen syndrome (COH1). Also called: Cutis verticis gyrata, retinitis pigmentosa, and sensorineural deafness; PEPPER SYNDROME. Identifiers: Orphanet 193, MedGen C0265223, MONDO:0008999, OMIM 216550.

Allele frequency attached by ClinVar (database versions not stated): gnomAD exomes 0.00005 and 0.00012; ExAC 0.00015; gnomAD 0.00042 and 0.00047; TOPMed 0.00053; ESP Exome Variant Server 0.00062.
gnomAD v4.1: 148 of 1,614,198 alleles (0.0092%); highest among the groups gnomAD compares: African/African-American, 0.17%; 1 homozygote.

Submissions (7):

Labcorp Genetics (formerly Invitae), Labcorp
Classification: Likely benign for Cohen syndrome. Last evaluated: 2026-01-28. Review status: criteria provided, single submitter. Criteria: Invitae Variant Classification Sherloc (09022015). Collection method: clinical testing. Allele origin: germline.

Blueprint Genetics
Classification: Benign. Last evaluated: 2024-08-08. Review status: criteria provided, single submitter. Criteria: ACMG Guidelines, 2015. Collection method: clinical testing. Allele origin: germline.

GeneDx
Classification: Uncertain significance. Last evaluated: 2024-01-25. Review status: criteria provided, single submitter. Criteria: GeneDx Variant Classification Process June 2021. Collection method: clinical testing. Allele origin: germline. Affected: yes.
Comment: In silico analysis supports that this missense variant does not alter protein structure/function; This variant is associated with the following publications: (PMID: 26740555, 28719003)

Ambry Genetics
Classification: Uncertain significance for Inborn genetic diseases. Last evaluated: 2018-04-20. Review status: criteria provided, single submitter. Criteria: Ambry Variant Classification Scheme 2023. Collection method: clinical testing. Allele origin: germline.
Comment: The p.N3463S variant (also known as c.10388A>G), located in coding exon 55 of the VPS13B gene, results from an A to G substitution at nucleotide position 10388. The asparagine at codon 3463 is replaced by serine, an amino acid with highly similar properties. This amino acid position is not well conserved in available vertebrate species, and serine is the reference amino acid in other vertebrate species. In addition, this alteration is predicted to be tolerated by in silico analysis. Since supporting evidence is limited at this time, the clinical significance of this alteration remains unclear.

Eurofins Ntd Llc (ga)
Classification: Uncertain significance. Last evaluated: 2017-01-15. Review status: criteria provided, single submitter. Criteria: EGL Classification Definitions 2015. Collection method: clinical testing. Allele origin: germline. Observed: 3 variant alleles, 3 heterozygotes.

PreventionGenetics, part of Exact Sciences
Classification: Likely benign for VPS13B-related condition. Last evaluated: 2022-04-07. Review status: no assertion criteria provided. Collection method: clinical testing. Allele origin: germline. Not counted in ClinVar's aggregate classification.
Comment: This variant is classified as likely benign based on ACMG/AMP sequence variant interpretation guidelines (Richards et al. 2015 PMID: 25741868, with internal and published modifications).

Natera, Inc.
Classification: Uncertain significance for Cohen syndrome. Last evaluated: 2020-01-24. Review status: no assertion criteria provided. Collection method: clinical testing. Allele origin: germline. Not counted in ClinVar's aggregate classification.